The following is an entry in ClinVar:

ClinVar aggregate classification (germline): Likely pathogenic (1 of 4 stars; one submission).

Conditions:
Cardiovascular phenotype. Identifiers: MedGen CN230736.

Submission:

Ambry Genetics
Classification: Likely pathogenic for Cardiovascular phenotype. Last evaluated: 2025-02-21. Review status: criteria provided, single submitter. Criteria: Ambry Variant Classification Scheme 2023. Collection method: clinical testing. Allele origin: germline.
Comment: The c.59948dupA variant, located in coding exon 155 of the TTN gene, results from a duplication of A at nucleotide position 59948, causing a translational frameshift with a predicted alternate stop codon (p.N19983Kfs*10). This exon is located in the A-band region of the N2-B isoform of the titin protein and is constitutively expressed in TTN transcripts (percent spliced in or PSI 100%). This variant is expected to result in loss of function by premature protein truncation or nonsense-mediated mRNA decay. While truncating variants in TTN are present in 1-3% of the general population, truncating variants in the A-band are the most common cause of dilated cardiomyopathy (Herman DS et al. N. Engl. J. Med., 2012 Feb;366:619-28; Roberts AM et al. Sci Transl Med, 2015 Jan;7:270ra6). TTN truncating variants encoded in constitutive exons (PSI >90%) have been found to be significantly associated with DCM regardless of their position in titin (Schafer S et al. Nat. Genet., 2017 01;49:46-53; Akhtar MM et al. Circ Heart Fail, 2020 Oct;13:e006832; Massier M et al. Clin Genet, 2025 Jan). This variant is considered to be rare based on population cohorts in the Genome Aggregation Database (gnomAD). Based on the majority of available evidence to date, this variant is likely to be pathogenic.

NM_001267550.2(TTN):c.87143dup (p.Asn29048fs)

Genes: TTN (titin; minus strand), TTN-AS1 (TTN antisense RNA 1; plus strand). Cytogenetic location: 2q31.2.
Variant type: Duplication.
Coding change: c.87143dup on transcript NM_001267550.2 (MANE Select); coding-DNA position 87143, one base duplicated (A; older notation c.87143dupA).
Protein change: p.Asn29048fs; shifts the reading frame from asparagine 29048.
Molecular consequence: frameshift variant.
Genome position (GRCh38, 1-based): chr2:178,558,211, T duplicated on the plus strand (A on the coding strand, the reverse complement: TTN is on the minus strand); the first of 2 consecutive T bases (chr2:178,558,211-178,558,212); duplicating either gives the same sequence. VCF-style (leftmost placement, unchanged base first): chr2-178558210-A-AT. GRCh37 (hg19) VCF-style: chr2-179422937-A-AT.
Other names: c.82220dup, p.Asn27407fs (NM_001256850.1); c.59948dup, p.Asn19983fs (NM_003319.4); c.79439dup, p.Asn26480fs (NM_133378.4); c.60323dup, p.Asn20108fs (NM_133432.3); c.60524dup, p.Asn20175fs (NM_133437.4); c.59948dupA (NM_003319.4); short protein forms N19983fs, N27407fs, N20108fs, N29048fs, N20175fs, N26480fs.
Identifiers: ClinVar variation 3812282 (VCV003812282.1).
Genomic context (GRCh38, chr2:178,558,210, plus strand): 5'-GATTGGAATGTCAACTTTAAGGTTTGAACCAGCTCTAACATATACAGTGTGACTTGGGAA[A>AT]TTCTTCATATCAATTTCAGGTGGTTCTGAAAAATGAGTATAGAAAGTGAAAGTGAAAAAG-3'